The following is an entry in ClinVar:

NM_001036.6(RYR3):c.4492G>A (p.Val1498Met)

Gene: RYR3 (ryanodine receptor 3; plus strand). Cytogenetic location: 15q14.
Variant type: single nucleotide variant.
Coding change: c.4492G>A on transcript NM_001036.6 (MANE Select); coding-DNA position 4492, G replaced by A.
Protein change: p.Val1498Met; replaces valine 1498 with methionine.
Molecular consequence: missense variant.
Genome position (GRCh38, 1-based): chr15:33,660,293, G>A. VCF-style: chr15-33660293-G-A. GRCh37 (hg19) VCF-style: chr15-33952494-G-A.
Other names: c.4492G>A, p.Val1498Met (NM_001243996.4); short protein forms V1498M.
Identifiers: ClinVar variation 936359 (VCV000936359.10), dbSNP rs375515948, ClinGen allele CA7459024.

ClinVar aggregate classification (germline): Uncertain significance (1 of 4 stars; one submission).

Conditions:
Epileptic encephalopathy. Identifiers: MedGen C0543888, HP:0200134.

Allele frequency attached by ClinVar (database versions not stated): gnomAD 0.00001 and 0.00003; gnomAD exomes 0.00001 and 0.00002; TOPMed 0.00005; ExAC 0.00008; ESP Exome Variant Server 0.00008; 1000 Genomes Project 30x 0.00016; 1000 Genomes Project 0.00020.
gnomAD v4.1: 18 of 1,569,040 alleles (0.0011%); highest among the groups gnomAD compares: African/African-American, 0.0027%; no homozygotes.

Submission:

Labcorp Genetics (formerly Invitae), Labcorp
Classification: Uncertain significance for Epileptic encephalopathy. Last evaluated: 2019-06-10. Review status: criteria provided, single submitter. Criteria: Invitae Variant Classification Sherloc (09022015). Collection method: clinical testing. Allele origin: germline.
Comment: This sequence change replaces valine with methionine at codon 1498 of the RYR3 protein (p.Val1498Met). The valine residue is highly conserved and there is a small physicochemical difference between valine and methionine. In summary, the available evidence is currently insufficient to determine the role of this variant in disease. Therefore, it has been classified as a Variant of Uncertain Significance. Algorithms developed to predict the effect of missense changes on protein structure and function are either unavailable or do not agree on the potential impact of this missense change (SIFT: "Deleterious"; PolyPhen-2: "Probably Damaging"; Align-GVGD: "Class C15"). This variant has not been reported in the literature in individuals with RYR3-related conditions. This variant is present in population databases (rs375515948, ExAC 0.04%).